The following is an entry in ClinVar:

ClinVar aggregate classification (germline): Likely pathogenic (1 of 4 stars; one submission).

Conditions:
CFTR-related disorder (CFTR-RD). Also called: CFTR-related disorders; CFTR-related condition. Identifiers: MedGen C5924204, MONDO:7770004.

Submission:

Natera, Inc.
Classification: Likely pathogenic for CFTR-related disorders. Last evaluated: 2024-12-31. Review status: criteria provided, single submitter. Criteria: Natera Variant Classification Schema (03/2026). Collection method: clinical testing. Allele origin: germline.
Comment: The c.3552del variant in CFTR is a frameshift variant predicted to shift the reading frame beginning at codon 1184 and leads to a stop codon 8 codons downstream. This variant is expected to result in nonsense mediated decay, truncation, or a dysfunctional protein product. This variant is rare in the general population with a frequency below the threshold expected for the associated phenotype(s). Given the available evidence, this variant is classified as Likely Pathogenic.

NM_000492.4(CFTR):c.3552del (p.Asn1184fs)

Genes: CFTR (CF transmembrane conductance regulator; plus strand), CFTR-AS2 (CFTR antisense RNA 2; minus strand). Cytogenetic location: 7q31.2.
Variant type: Deletion.
Coding change: c.3552del on transcript NM_000492.4 (MANE Select); coding-DNA position 3552, one base deleted (T; older notation c.3552delT).
Protein change: p.Asn1184fs; shifts the reading frame from asparagine 1184.
Molecular consequence: frameshift variant.
Genome position (GRCh38, 1-based): chr7:117,627,605, T deleted. VCF-style (leftmost placement, unchanged base first): chr7-117627604-AT-A. GRCh37 (hg19) VCF-style: chr7-117267658-AT-A.
Other names: c.3552delT, p.Asn1184Lysfs (NM_000492.3); short protein forms N1184fs.
Identifiers: ClinVar variation 4818540 (VCV004818540.1).